The following is an entry in ClinVar:

NM_017671.5(FERMT1):c.1577G>A (p.Arg526Lys)

Gene: FERMT1 (FERM domain containing kindlin 1; minus strand). Cytogenetic location: 20p12.3.
Variant type: single nucleotide variant.
Coding change: c.1577G>A on transcript NM_017671.5 (MANE Select); coding-DNA position 1577, G replaced by A.
Protein change: p.Arg526Lys; replaces arginine 526 with lysine.
Molecular consequence: missense variant.
Genome position (GRCh38, 1-based): chr20:6,085,082, C>T on the plus strand (G>A on the coding strand, the complement: FERMT1 is on the minus strand). VCF-style: chr20-6085082-C-T. GRCh37 (hg19) VCF-style: chr20-6065729-C-T.
Other names: short protein forms R526K.
Identifiers: ClinVar variation 260867 (VCV000260867.22), dbSNP rs2232074, ClinGen allele CA9758111.
Genomic context (GRCh38, chr20:6,085,082, plus strand): 5'-AAAGAATTTACTGCAAACAATTGCCCTAACAAGATTAACAGTACCTGTTTGGATTTGTGT[C>T]TTTTTGCACACCGTGGTGACACAAAACATTCTGGGTTCATATCCATGTTTTCGAGACTGG-3'
Protein context (NP_060141.3, residues 516-536): ECFVSPRCAK[Arg526Lys]HKSKQLAARI

ClinVar aggregate classification (germline): Benign. Review status: criteria provided, multiple submitters, no conflicts (2 of 4 stars). 8 submissions from 8 submitters: Benign (8). Last evaluated 2026-02-04.

Conditions:
Kindler syndrome (KNDLRS). Also called: Hereditary acrokeratotic poikiloderma of Weary; Poikiloderma of Kindler; Congenital bullous poikiloderma; Kindler's syndrome; POIKILODERMA, CONGENITAL, WITH BULLAE, WEARY TYPE; POIKILODERMA, HEREDITARY ACROKERATOTIC. Identifiers: Orphanet 2908, Orphanet 306539, MedGen C0406557, MONDO:0008260, OMIM 173650.

Allele frequency attached by ClinVar (database versions not stated): ESP Exome Variant Server 0.06266; gnomAD exomes 0.38173 and 0.40420; ExAC 0.39775; gnomAD 0.41178 and 0.41183; TOPMed 0.43400; 1000 Genomes Project 30x 0.45175; 1000 Genomes Project 0.45707.
gnomAD v4.1: 621,063 of 1,611,632 alleles (39%); highest among the groups gnomAD compares: East Asian, 65%; 123,094 homozygotes.

Submissions (8):

Labcorp Genetics (formerly Invitae), Labcorp
Classification: Benign. Last evaluated: 2026-02-04. Review status: criteria provided, single submitter. Criteria: Invitae Variant Classification Sherloc (09022015). Collection method: clinical testing. Allele origin: germline.

Unidad de Genómica Garrahan, Hospital de Pediatría Garrahan
Classification: Benign. Last evaluated: 2024-01-24. Review status: criteria provided, single submitter. Criteria: ACMG Guidelines, 2015. Collection method: clinical testing. Allele origin: germline. Affected: no. Observed: 65 variant alleles.
Comment: This variant is classified as Benign based on local population frequency. This variant was detected in 74% of patients studied by a panel of primary immunodeficiencies. Number of patients: 65. Only high quality variants are reported.

Mayo Clinic Laboratories, Mayo Clinic
Classification: Benign. Last evaluated: 2022-09-06. Review status: criteria provided, single submitter. Criteria: ACMG Guidelines, 2015. Collection method: clinical testing. Allele origin: germline. Observed: 96 variant alleles.

Genome-Nilou Lab
Classification: Benign for Kindler syndrome. Last evaluated: 2021-08-10. Review status: criteria provided, single submitter. Criteria: ACMG Guidelines, 2015. Collection method: clinical testing. Allele origin: germline. Affected: no.

GeneDx
Classification: Benign. Last evaluated: 2018-11-11. Review status: criteria provided, single submitter. Criteria: GeneDx Variant Classification Process June 2021. Collection method: clinical testing. Allele origin: germline. Affected: yes.

Illumina Laboratory Services, Illumina
Classification: Benign for Kindler syndrome. Last evaluated: 2018-01-13. Review status: criteria provided, single submitter. Criteria: ICSL Variant Classification Criteria 13 December 2019. Collection method: clinical testing. Allele origin: germline.
Comment: This variant was observed in the ICSL laboratory as part of a predisposition screen in an ostensibly healthy population. It had not been previously curated by ICSL or reported in the Human Gene Mutation Database (HGMD: prior to June 1st, 2018), and was therefore a candidate for classification through an automated scoring system. Utilizing variant allele frequency, disease prevalence and penetrance estimates, and inheritance mode, an automated score was calculated to assess if this variant is too frequent to cause the disease. Based on the score and internal cut-off values, a variant classified as benign is not then subjected to further curation. The score for this variant resulted in a classification of benign for this disease.

Breakthrough Genomics
Classification: Benign. Review status: criteria provided, single submitter. Criteria: ACMG Guidelines, 2015. Collection method: not provided. Allele origin: germline. Inheritance: Autosomal recessive inheritance. Affected: yes.

PreventionGenetics, part of Exact Sciences
Classification: Benign. Review status: criteria provided, single submitter. Criteria: ACMG Guidelines, 2015. Collection method: clinical testing. Allele origin: germline.